The following is an entry in ClinVar:

NM_004006.3(DMD):c.8884C>A (p.Pro2962Thr)

Gene: DMD (dystrophin; minus strand). Cytogenetic location: Xp21.2.
Variant type: single nucleotide variant.
Coding change: c.8884C>A on transcript NM_004006.3 (MANE Select); coding-DNA position 8884, C replaced by A.
Protein change: p.Pro2962Thr; replaces proline 2962 with threonine.
Molecular consequence: missense variant.
Genome position (GRCh38, 1-based): chrX:31,478,159, G>T on the plus strand (C>A on the coding strand, the complement: DMD is on the minus strand). VCF-style: chrX-31478159-G-T. GRCh37 (hg19) VCF-style: chrX-31496276-G-T.
Other names: c.8860C>A, p.Pro2954Thr (NM_000109.4); c.8872C>A, p.Pro2958Thr (NM_004009.3); c.8515C>A, p.Pro2839Thr (NM_004010.3); c.4861C>A, p.Pro1621Thr (NM_004011.4); c.4852C>A, p.Pro1618Thr (NM_004012.4); c.1504C>A, p.Pro502Thr (NM_004013.3, NM_004020.4, NM_004021.3 and 2 more transcripts); c.697C>A, p.Pro233Thr (NM_004014.3); short protein forms P1618T, P1621T, P2954T, P502T, P2839T, P233T, P2958T, P2962T.
Identifiers: ClinVar variation 2059453 (VCV002059453.6), dbSNP rs2525293536, ClinGen allele CA412653946.
Genomic context (GRCh38, chrX:31,478,159, plus strand): 5'-ACGGTACCTTGACTTTCTCGAGGTGATCTTGGAGAGAGTCAATGAGGAGATCGCCCACGG[G>T]CTGCCAGGATCCCTTGATCACCTCAGCTTGGCGCAGCTTGAGGTCCAGCTCATCCGTGGC-3'
Protein context (NP_003997.2, residues 2952-2972): QAEVIKGSWQ[Pro2962Thr]VGDLLIDSLQ

ClinVar aggregate classification (germline): Uncertain significance. Review status: criteria provided, multiple submitters, no conflicts (2 of 4 stars). 2 submissions from 2 submitters: Uncertain significance (2). Last evaluated 2023-08-10.

Conditions:
Cardiovascular phenotype. Identifiers: MedGen CN230736.
Duchenne muscular dystrophy (DMD). Also called: MUSCULAR DYSTROPHY, PSEUDOHYPERTROPHIC PROGRESSIVE, DUCHENNE TYPE; Duchenne Muscular Dystrophy (DMD). Identifiers: Orphanet 98896, MedGen C0013264, MONDO:0010679, OMIM 310200.

Submissions (2):

Labcorp Genetics (formerly Invitae), Labcorp
Classification: Uncertain significance for Duchenne muscular dystrophy. Last evaluated: 2023-08-10. Review status: criteria provided, single submitter. Criteria: Invitae Variant Classification Sherloc (09022015). Collection method: clinical testing. Allele origin: germline.
Comment: ClinVar contains an entry for this variant (Variation ID: 2059453). This variant has not been reported in the literature in individuals affected with DMD-related conditions. This variant is not present in population databases (gnomAD no frequency). This sequence change replaces proline, which is neutral and non-polar, with threonine, which is neutral and polar, at codon 2962 of the DMD protein (p.Pro2962Thr). Advanced modeling of protein sequence and biophysical properties (such as structural, functional, and spatial information, amino acid conservation, physicochemical variation, residue mobility, and thermodynamic stability) performed at Invitae indicates that this missense variant is not expected to disrupt DMD protein function. In summary, the available evidence is currently insufficient to determine the role of this variant in disease. Therefore, it has been classified as a Variant of Uncertain Significance.

Ambry Genetics
Classification: Uncertain significance for Cardiovascular phenotype. Last evaluated: 2023-01-31. Review status: criteria provided, single submitter. Criteria: Ambry Variant Classification Scheme 2023. Collection method: clinical testing. Allele origin: germline.
Comment: The p.P2962T variant (also known as c.8884C>A), located in coding exon 59 of the DMD gene, results from a C to A substitution at nucleotide position 8884. The proline at codon 2962 is replaced by threonine, an amino acid with highly similar properties. This amino acid position is highly conserved in available vertebrate species. In addition, the in silico prediction for this alteration is inconclusive. Since supporting evidence is limited at this time, the clinical significance of this alteration remains unclear.